The following is an entry in ClinVar:

ClinVar aggregate classification (germline): Uncertain significance (1 of 4 stars; one submission).

gnomAD v4.1: 4 of 1,614,042 alleles (0.00025%); highest among the groups gnomAD compares: African/African-American, 0.0013%; no homozygotes.

Submission:

Labcorp Genetics (formerly Invitae), Labcorp
Classification: Uncertain significance. Last evaluated: 2026-01-18. Review status: criteria provided, single submitter. Criteria: Invitae Variant Classification Sherloc (09022015). Collection method: clinical testing. Allele origin: germline.
Comment: This sequence change creates a premature translational stop signal (p.Arg597*) in the DHX32 gene. It is expected to result in an absent or disrupted protein product. However, the current clinical and genetic evidence is not sufficient to establish whether loss-of-function variants in DHX32 cause disease. This variant is present in population databases (rs755929633, gnomAD 0.0009%). This variant has not been reported in the literature in individuals affected with DHX32-related conditions. In summary, the available evidence is currently insufficient to determine the role of this variant in disease. Therefore, it has been classified as a Variant of Uncertain Significance.

NM_018180.3(DHX32):c.1789C>T (p.Arg597Ter)

Genes: DHX32 (DEAH-box helicase 32 (putative); minus strand), BCCIP (BRCA2 and CDKN1A interacting protein; plus strand). Cytogenetic location: 10q26.2.
Variant type: single nucleotide variant.
Coding change: c.1789C>T on transcript NM_018180.3 (MANE Select); coding-DNA position 1789, C replaced by T.
Protein change: p.Arg597Ter; replaces arginine 597 with a stop codon.
Molecular consequence: nonsense. On other transcripts: intron variant (2).
Genome position (GRCh38, 1-based): chr10:125,839,093, G>A on the plus strand (C>T on the coding strand, the complement: DHX32 is on the minus strand). VCF-style: chr10-125839093-G-A. GRCh37 (hg19) VCF-style: chr10-127527662-G-A.
Other names: c.775-2162G>A (NM_016567.4, NM_078469.3); short protein forms R597*.
Identifiers: ClinVar variation 4765771 (VCV004765771.1).